The following is an entry in ClinVar:

ClinVar aggregate classification (germline): Uncertain significance (1 of 4 stars; one submission).

Conditions:
Cardiovascular phenotype. Identifiers: MedGen CN230736.
Hereditary cancer-predisposing syndrome. Also called: Tumor predisposition; Hereditary neoplastic syndrome; Neoplastic Syndromes, Hereditary; Hereditary Cancer Syndrome. Identifiers: Orphanet 140162, MedGen C0027672, MeSH D009386, MONDO:0015356.

Submission:

Ambry Genetics
Classification: Uncertain significance for Cardiovascular phenotype; Hereditary cancer-predisposing syndrome. Last evaluated: 2025-04-29. Review status: criteria provided, single submitter. Criteria: Ambry Variant Classification Scheme 2023. Collection method: clinical testing. Allele origin: germline.
Comment: The p.R2562S variant (also known as c.7686G>T), located in coding exon 52 of the NF1 gene, results from a G to T substitution at nucleotide position 7686. The arginine at codon 2562 is replaced by serine, an amino acid with dissimilar properties. This amino acid position is conserved. In addition, the in silico prediction for this alteration is inconclusive. Based on the available evidence, the clinical significance of this variant remains unclear.

NM_001042492.3(NF1):c.7749G>T (p.Arg2583Ser)

Gene: NF1 (neurofibromin 1; plus strand). Cytogenetic location: 17q11.2.
Variant type: single nucleotide variant.
Coding change: c.7749G>T on transcript NM_001042492.3 (MANE Select); coding-DNA position 7749, G replaced by T.
Protein change: p.Arg2583Ser; replaces arginine 2583 with serine.
Molecular consequence: missense variant.
Genome position (GRCh38, 1-based): chr17:31,356,970, G>T. VCF-style: chr17-31356970-G-T. GRCh37 (hg19) VCF-style: chr17-29683988-G-T.
Other names: c.7686G>T, p.Arg2562Ser (NM_000267.4); short protein forms R2583S, R2562S.
Identifiers: ClinVar variation 4025626 (VCV004025626.1).